The following is an entry in ClinVar:

NM_152783.5(D2HGDH):c.1331T>C (p.Val444Ala)

Gene: D2HGDH (D-2-hydroxyglutarate dehydrogenase; plus strand). Cytogenetic location: 2q37.3.
Variant type: single nucleotide variant.
Coding change: c.1331T>C on transcript NM_152783.5 (MANE Select); coding-DNA position 1331, T replaced by C.
Protein change: p.Val444Ala; replaces valine 444 with alanine.
Molecular consequence: missense variant. On other transcripts: non-coding transcript variant (1).
Genome position (GRCh38, 1-based): chr2:241,767,734, T>C. VCF-style: chr2-241767734-T-C. GRCh37 (hg19) VCF-style: chr2-242707149-T-C.
Other names: D2HGDH, VAL444ALA; c.929T>C, p.Val310Ala (NM_001287249.2); c.770T>C, p.Val257Ala (NM_001352824.2); short protein forms V444A, V310A, V257A.
Identifiers: ClinVar variation 1852 (VCV000001852.3), dbSNP rs121434360, ClinGen allele CA115236.
Genomic context (GRCh38, chr2:241,767,734, plus strand): 5'-CTGCCCAGCCTGACCCATGTGCCCTTGTCCCTCCAGGAGATGGTAACCTGCACCTCAATG[T>C]GACGGCGGAGGCCTTCAGCCCCTCGCTCCTGGCTGCCCTGGAGCCCCACGTGTACGAGTG-3'
Protein context (NP_689996.4, residues 434-454): HLGDGNLHLN[Val444Ala]TAEAFSPSLL

ClinVar aggregate classification (germline): Pathogenic. Review status: criteria provided, single submitter (1 of 4 stars). 2 submissions from 2 submitters: Pathogenic (1). 1 of the submissions does not count toward it. Last evaluated 2025-01-10.

Conditions:
D-2-hydroxyglutaric aciduria 1 (D2HGA1). Identifiers: Orphanet 79315, MedGen C3152055, MONDO:0024554, OMIM 600721.

Allele frequency attached by ClinVar (database versions not stated): gnomAD exomes below 0.00001; gnomAD 0.00001; TOPMed 0.00001.
gnomAD v4.1: 7 of 1,612,780 alleles (0.00043%); highest among the groups gnomAD compares: Non-Finnish European, 0.00059%; no homozygotes.

Submissions (2):

First Genomix Gene Laboratory, Genetic Diagnostics Department
Classification: Pathogenic for D-2-hydroxyglutaric aciduria 1. Last evaluated: 2025-01-10. Review status: criteria provided, single submitter. Criteria: ACMG Guidelines, 2015. Collection method: clinical testing. Allele origin: germline. Inheritance: Autosomal recessive inheritance. Affected: no. Observed: 1 variant allele.

OMIM
Classification: Pathogenic for D-2-HYDROXYGLUTARIC ACIDURIA 1. Last evaluated: 2005-02-01. Review status: no assertion criteria provided. Collection method: literature only. Allele origin: germline. Not counted in ClinVar's aggregate classification.

Literature cited by the submitters: PubMed 15609246 (cited by OMIM).